The following is an entry in ClinVar:

NM_024580.6(EFL1):c.2215C>G (p.Leu739Val)

Gene: EFL1 (elongation factor like GTPase 1; minus strand). Cytogenetic location: 15q25.2.
Variant type: single nucleotide variant.
Coding change: c.2215C>G on transcript NM_024580.6 (MANE Select); coding-DNA position 2215, C replaced by G.
Protein change: p.Leu739Val; replaces leucine 739 with valine.
Molecular consequence: missense variant. On other transcripts: non-coding transcript variant (1).
Genome position (GRCh38, 1-based): chr15:82,152,239, G>C on the plus strand (C>G on the coding strand, the complement: EFL1 is on the minus strand). VCF-style: chr15-82152239-G-C. GRCh37 (hg19) VCF-style: chr15-82444580-G-C.
Other names: c.2062C>G, p.Leu688Val (NM_001040610.3); c.1426C>G, p.Leu476Val (NM_001322844.2); c.2215C>G, p.Leu739Val (NM_001322845.2); short protein forms L476V, L688V, L739V.
Identifiers: ClinVar variation 2127674 (VCV002127674.4), dbSNP rs965950622, ClinGen allele CA273470841.

ClinVar aggregate classification (germline): Uncertain significance (1 of 4 stars; one submission).

Allele frequency attached by ClinVar (database versions not stated): gnomAD exomes below 0.00001.
gnomAD v4.1: 5 of 1,614,172 alleles (0.00031%); highest among the groups gnomAD compares: Non-Finnish European, 0.00042%; no homozygotes.

Submission:

Labcorp Genetics (formerly Invitae), Labcorp
Classification: Uncertain significance. Last evaluated: 2022-04-18. Review status: criteria provided, single submitter. Criteria: Invitae Variant Classification Sherloc (09022015). Collection method: clinical testing. Allele origin: germline.
Comment: In summary, the available evidence is currently insufficient to determine the role of this variant in disease. Therefore, it has been classified as a Variant of Uncertain Significance. Algorithms developed to predict the effect of missense changes on protein structure and function are either unavailable or do not agree on the potential impact of this missense change (SIFT: "Deleterious"; PolyPhen-2: "Benign"; Align-GVGD: "Class C0"). This variant has not been reported in the literature in individuals affected with EFL1-related conditions. This variant is not present in population databases (gnomAD no frequency). This sequence change replaces leucine, which is neutral and non-polar, with valine, which is neutral and non-polar, at codon 739 of the EFL1 protein (p.Leu739Val).